The following is an entry in ClinVar:

NM_031942.5(CDCA7):c.907C>T (p.Pro303Ser)

Gene: CDCA7 (cell division cycle associated 7; plus strand). Cytogenetic location: 2q31.1.
Variant type: single nucleotide variant.
Coding change: c.907C>T on transcript NM_031942.5 (MANE Select); coding-DNA position 907, C replaced by T.
Protein change: p.Pro303Ser; replaces proline 303 with serine.
Molecular consequence: missense variant.
Genome position (GRCh38, 1-based): chr2:173,365,464, C>T. VCF-style: chr2-173365464-C-T. GRCh37 (hg19) VCF-style: chr2-174230192-C-T.
Other names: c.670C>T, p.Pro224Ser (NM_145810.3); short protein forms P224S, P303S.
Identifiers: ClinVar variation 2079006 (VCV002079006.2), dbSNP rs781729910, ClinGen allele CA1971386.
Genomic context (GRCh38, chr2:173,365,464, plus strand): 5'-CAGTTTTTCAGTTTTGAAGTTCTGTGTTTTGTATTCCTTGTAATGCAGGAAGATGACCTG[C>T]CCAGAAGCCGTCGCTCCAGATCATCCGTGACCCTTCCGCATATAATTCGCCCAGTGGAAG-3'
Protein context (NP_114148.3, residues 293-313): VDGYMNEDDL[Pro303Ser]RSRRSRSSVT

ClinVar aggregate classification (germline): Uncertain significance (1 of 4 stars; one submission).

Allele frequency attached by ClinVar (database versions not stated): gnomAD exomes below 0.00001; TOPMed below 0.00001; gnomAD 0.00001; ExAC 0.00002.
gnomAD v4.1: 2 of 1,613,374 alleles (0.00012%); highest among the groups gnomAD compares: East Asian, 0.0022%; no homozygotes.

Submission:

Labcorp Genetics (formerly Invitae), Labcorp
Classification: Uncertain significance. Last evaluated: 2022-08-12. Review status: criteria provided, single submitter. Criteria: Invitae Variant Classification Sherloc (09022015). Collection method: clinical testing. Allele origin: germline.
Comment: In summary, the available evidence is currently insufficient to determine the role of this variant in disease. Therefore, it has been classified as a Variant of Uncertain Significance. Algorithms developed to predict the effect of missense changes on protein structure and function are either unavailable or do not agree on the potential impact of this missense change (SIFT: "Tolerated"; PolyPhen-2: "Probably Damaging"; Align-GVGD: "Class C0"). This variant has not been reported in the literature in individuals affected with CDCA7-related conditions. This variant is present in population databases (rs781729910, gnomAD 0.006%). This sequence change replaces proline, which is neutral and non-polar, with serine, which is neutral and polar, at codon 303 of the CDCA7 protein (p.Pro303Ser).